The following is an entry in ClinVar:

NM_000702.4(ATP1A2):c.1574T>C (p.Ile525Thr)

Gene: ATP1A2 (ATPase Na+/K+ transporting subunit alpha 2; plus strand). Cytogenetic location: 1q23.2.
Variant type: single nucleotide variant.
Coding change: c.1574T>C on transcript NM_000702.4 (MANE Select); coding-DNA position 1574, T replaced by C.
Protein change: p.Ile525Thr; replaces isoleucine 525 with threonine.
Molecular consequence: missense variant.
Genome position (GRCh38, 1-based): chr1:160,130,214, T>C. VCF-style: chr1-160130214-T-C. GRCh37 (hg19) VCF-style: chr1-160100004-T-C.
Other names: short protein forms I525T.
Identifiers: ClinVar variation 936150 (VCV000936150.9), dbSNP rs760642074, ClinGen allele CA1194525.
Genomic context (GRCh38, chr1:160,130,214, plus strand): 5'-AGGGGGCCCCAGAGCGCATTCTGGACCGGTGCTCCACCATCCTGGTGCAGGGCAAGGAGA[T>C]CCCGCTCGACAAGGAGATGCAAGATGCCTTTCAAAATGCCTACATGGAGCTGGGGGGACT-3'
Protein context (NP_000693.1, residues 515-535): CSTILVQGKE[Ile525Thr]PLDKEMQDAF

ClinVar aggregate classification (germline): Uncertain significance (1 of 4 stars; one submission).

Conditions:
Familial hemiplegic migraine. Identifiers: MedGen C0338484, MONDO:0000700.

Allele frequency attached by ClinVar (database versions not stated): gnomAD exomes below 0.00001 and 0.00001; gnomAD 0.00001; ExAC 0.00002; TOPMed 0.00002.
gnomAD v4.1: 2 of 1,614,062 alleles (0.00012%); highest among the groups gnomAD compares: African/African-American, 0.0027%; no homozygotes.

Submission:

Labcorp Genetics (formerly Invitae), Labcorp
Classification: Uncertain significance for Familial hemiplegic migraine. Last evaluated: 2020-01-18. Review status: criteria provided, single submitter. Criteria: Invitae Variant Classification Sherloc (09022015). Collection method: clinical testing. Allele origin: germline.
Comment: This variant has not been reported in the literature in individuals with ATP1A2-related conditions. This variant is present in population databases (rs760642074, ExAC 0.02%). This sequence change replaces isoleucine with threonine at codon 525 of the ATP1A2 protein (p.Ile525Thr). The isoleucine residue is highly conserved and there is a moderate physicochemical difference between isoleucine and threonine. In summary, the available evidence is currently insufficient to determine the role of this variant in disease. Therefore, it has been classified as a Variant of Uncertain Significance. Algorithms developed to predict the effect of missense changes on protein structure and function are either unavailable or do not agree on the potential impact of this missense change (SIFT: "Deleterious"; PolyPhen-2: "Benign"; Align-GVGD: "Class C65").